The following is an entry in ClinVar:

NM_000170.3(GLDC):c.850C>A (p.His284Asn)

Gene: GLDC (glycine decarboxylase; minus strand). Cytogenetic location: 9p24.1.
Variant type: single nucleotide variant.
Coding change: c.850C>A on transcript NM_000170.3 (MANE Select); coding-DNA position 850, C replaced by A.
Protein change: p.His284Asn; replaces histidine 284 with asparagine.
Molecular consequence: missense variant.
Genome position (GRCh38, 1-based): chr9:6,605,142, G>T on the plus strand (C>A on the coding strand, the complement: GLDC is on the minus strand). VCF-style: chr9-6605142-G-T. GRCh37 (hg19) VCF-style: chr9-6605142-G-T.
Other names: short protein forms H284N.
Identifiers: ClinVar variation 2083315 (VCV002083315.4), dbSNP rs2489104166, ClinGen allele CA372896270.

ClinVar aggregate classification (germline): Likely pathogenic (1 of 4 stars; one submission).

Conditions:
Glycine encephalopathy. Also called: Nonketotic hyperglycinemia; Non-ketotic hyperglycinemia. Identifiers: Orphanet 407, MedGen C0751748, MONDO:0011612, HP:0008288.

Submission:

Labcorp Genetics (formerly Invitae), Labcorp
Classification: Likely pathogenic for Glycine encephalopathy. Last evaluated: 2022-01-15. Review status: criteria provided, single submitter. Criteria: Invitae Variant Classification Sherloc (09022015). Collection method: clinical testing. Allele origin: germline.
Comment: This variant disrupts the p.His284 amino acid residue in GLDC. Other variant(s) that disrupt this residue have been determined to be pathogenic (PMID: 27362913). This suggests that this residue is clinically significant, and that variants that disrupt this residue are likely to be disease-causing. Advanced modeling of protein sequence and biophysical properties (such as structural, functional, and spatial information, amino acid conservation, physicochemical variation, residue mobility, and thermodynamic stability) performed at Invitae indicates that this missense variant is expected to disrupt GLDC protein function. This variant has not been reported in the literature in individuals affected with GLDC-related conditions. In summary, the currently available evidence indicates that the variant is pathogenic, but additional data are needed to prove that conclusively. Therefore, this variant has been classified as Likely Pathogenic. This variant is not present in population databases (gnomAD no frequency). This sequence change replaces histidine, which is basic and polar, with asparagine, which is neutral and polar, at codon 284 of the GLDC protein (p.His284Asn).

Literature cited by the submitters: PubMed 27362913.